The following is an entry in ClinVar:

ClinVar aggregate classification (germline): Uncertain significance (1 of 4 stars; one submission).

Conditions:
Hereditary cancer-predisposing syndrome. Also called: Tumor predisposition; Hereditary Cancer Syndrome; Hereditary neoplastic syndrome; Neoplastic Syndromes, Hereditary. Identifiers: Orphanet 140162, MedGen C0027672, MeSH D009386, MONDO:0015356.

Submission:

Ambry Genetics
Classification: Uncertain significance for Hereditary cancer-predisposing syndrome. Last evaluated: 2023-12-14. Review status: criteria provided, single submitter. Criteria: Ambry Variant Classification Scheme 2023. Collection method: clinical testing. Allele origin: germline.
Comment: The p.L2319F variant (also known as c.6957G>C), located in coding exon 46 of the ATM gene, results from a G to C substitution at nucleotide position 6957. The leucine at codon 2319 is replaced by phenylalanine, an amino acid with highly similar properties. This amino acid position is conserved. In addition, the in silico prediction for this alteration is inconclusive. Since supporting evidence is limited at this time, the clinical significance of this alteration remains unclear.

NM_000051.4(ATM):c.6957G>C (p.Leu2319Phe)

Genes: ATM (ATM serine/threonine kinase; plus strand), C11orf65 (chromosome 11 open reading frame 65; minus strand). Cytogenetic location: 11q22.3.
Variant type: single nucleotide variant.
Coding change: c.6957G>C on transcript NM_000051.4 (MANE Select); coding-DNA position 6957, G replaced by C.
Protein change: p.Leu2319Phe; replaces leucine 2319 with phenylalanine.
Molecular consequence: missense variant. On other transcripts: intron variant (2).
Genome position (GRCh38, 1-based): chr11:108,326,207, G>C. VCF-style: chr11-108326207-G-C. GRCh37 (hg19) VCF-style: chr11-108196934-G-C.
Other names: c.6957G>C, p.Leu2319Phe (NM_001351834.2); c.641-17136C>G (NM_001330368.2); c.*38+9013C>G (NM_001351110.2); short protein forms L2319F.
Identifiers: ClinVar variation 3222674 (VCV003222674.1), dbSNP rs2085667000, ClinGen allele CA382557361.